The following is an entry in ClinVar:

NM_000152.5(GAA):c.230_232dup (p.Ala77_Val78insAla)

Gene: GAA (alpha glucosidase; plus strand). Cytogenetic location: 17q25.3.
Variant type: Duplication.
Coding change: c.230_232dup on transcript NM_000152.5 (MANE Select); coding-DNA positions 230 to 232, 3 bases duplicated (CAG; older notation c.230_232dupCAG).
Protein change: p.Ala77_Val78insAla.
Genome position (GRCh38, 1-based): chr17:80,104,816-80,104,818, CAG duplicated; duplicating any 3 consecutive bases within chr17:80,104,814-80,104,818 gives the same sequence; the c. name uses the placement nearest the transcript's 3' end. VCF-style (leftmost placement, unchanged base first): chr17-80104813-G-GAGC. GRCh37 (hg19) VCF-style: chr17-78078612-G-GAGC.
Other names: c.230_232dup, p.Ala77_Val78insAla (NM_001079803.3, NM_001079804.3, NM_001406741.1 and 1 more transcripts).
Identifiers: ClinVar variation 3706349 (VCV003706349.1).

ClinVar aggregate classification (germline): Uncertain significance (1 of 4 stars; one submission).

Conditions:
Glycogen storage disease, type II (IOPD). Also called: GLYCOGENOSIS, GENERALIZED, CARDIAC FORM; POMPE DISEASE, INFANTILE-ONSET; GLYCOGEN STORAGE DISEASE II, INFANTILE-ONSET; ACID ALPHA-GLUCOSIDASE DEFICIENCY, INFANTILE-ONSET; GAA DEFICIENCY, INFANTILE-ONSET; ACID MALTASE DEFICIENCY, INFANTILE-ONSET. Identifiers: Orphanet 365, MedGen C0017921, MONDO:0009290, OMIM 232300.

Submission:

Labcorp Genetics (formerly Invitae), Labcorp
Classification: Uncertain significance for Glycogen storage disease, type II. Last evaluated: 2024-06-03. Review status: criteria provided, single submitter. Criteria: Invitae Variant Classification Sherloc (09022015). Collection method: clinical testing. Allele origin: germline.
Comment: This variant, c.230_232dup, results in the insertion of 1 amino acid(s) of the GAA protein (p.Ala77dup), but otherwise preserves the integrity of the reading frame. This variant is not present in population databases (gnomAD no frequency). This variant has not been reported in the literature in individuals affected with GAA-related conditions. Experimental studies and prediction algorithms are not available or were not evaluated, and the functional significance of this variant is currently unknown. In summary, the available evidence is currently insufficient to determine the role of this variant in disease. Therefore, it has been classified as a Variant of Uncertain Significance.